The following is an entry in ClinVar:

NM_004380.3(CREBBP):c.3779+1G>A

Gene: CREBBP (CREB binding lysine acetyltransferase; minus strand). Cytogenetic location: 16p13.3.
Variant type: single nucleotide variant.
Coding change: c.3779+1G>A on transcript NM_004380.3 (MANE Select); the canonical splice donor site of the intron after coding-DNA position 3779, G replaced by A.
Molecular consequence: splice donor variant.
Genome position (GRCh38, 1-based): chr16:3,751,725, C>T on the plus strand (G>A on the coding strand, the complement: CREBBP is on the minus strand). VCF-style: chr16-3751725-C-T. GRCh37 (hg19) VCF-style: chr16-3801726-C-T.
Other names: c.3665+1G>A (NM_001079846.1).
Identifiers: ClinVar variation 158359 (VCV000158359.18), dbSNP rs587783483, ClinGen allele CA271393.

ClinVar aggregate classification (germline): Pathogenic. Review status: criteria provided, multiple submitters, no conflicts (2 of 4 stars). 10 submissions from 10 submitters: Pathogenic (9). 1 of the submissions does not count toward it. Last evaluated 2024-04-25.

Conditions:
Rubinstein-Taybi syndrome (RSTS). Identifiers: Orphanet 783, MedGen C0035934, MONDO:0019188.
Menke-Hennekam syndrome 1 (MKHK1). Identifiers: MedGen C5193034, MONDO:0020763, OMIM 618332.
Rubinstein-Taybi syndrome due to CREBBP mutations (RSTS1). Also called: Rubinstein-Taybi syndrome 1; RUBINSTEIN SYNDROME; BROAD THUMBS AND GREAT TOES, CHARACTERISTIC FACIES, AND IMPAIRED INTELLECTUAL DEVELOPMENT; CREBBP-Related Rubinstein-Taybi Syndrome; RUBINSTEIN-TAYBI SYNDROME 1, INCOMPLETE; BROAD THUMB-HALLUX SYNDROME. Identifiers: Orphanet 353277, Orphanet 783, MedGen C4551859, MONDO:0008393, OMIM 180849.
Intellectual disability. Also called: Intellectual developmental disorder; Intellectual functioning disability; intellectual disabilities. Identifiers: MedGen C3714756, MeSH D008607, MONDO:0001071, HP:0001249.

Submissions (11):

Institute of Immunology and Genetics Kaiserslautern
Classification: Pathogenic for Rubinstein-Taybi syndrome due to CREBBP mutations. Last evaluated: 2024-04-25. Review status: criteria provided, single submitter. Criteria: ACMG Guidelines, 2015. Collection method: clinical testing. Allele origin: germline. Affected: yes.
Comment: ACMG Criteria: PM2, PP3, PVS1, PP5; Variant was found in heterozygous state

Labcorp Genetics (formerly Invitae), Labcorp
Classification: Pathogenic for Rubinstein-Taybi syndrome. Last evaluated: 2024-04-07. Review status: criteria provided, single submitter. Criteria: Invitae Variant Classification Sherloc (09022015). Collection method: clinical testing. Allele origin: germline.
Comment: This sequence change affects a donor splice site in intron 20 of the CREBBP gene. It is expected to disrupt RNA splicing. Variants that disrupt the donor or acceptor splice site typically lead to a loss of protein function (PMID: 16199547), and loss-of-function variants in CREBBP are known to be pathogenic (PMID: 17052327, 18792986). This variant is not present in population databases (gnomAD no frequency). Disruption of this splice site has been observed in individual(s) with Rubinstein-Taybi syndrome (PMID: 29132461, 32827181). In at least one individual the variant was observed to be de novo. ClinVar contains an entry for this variant (Variation ID: 158359). Algorithms developed to predict the effect of sequence changes on RNA splicing suggest that this variant may disrupt the consensus splice site. For these reasons, this variant has been classified as Pathogenic.

GeneDx
Classification: Pathogenic. Last evaluated: 2023-04-26. Review status: criteria provided, single submitter. Criteria: GeneDx Variant Classification Process June 2021. Collection method: clinical testing. Allele origin: germline. Affected: yes.
Comment: Canonical splice site variant expected to result in aberrant splicing, although in the absence of functional evidence the actual effect of this sequence change is unknown.; Not observed in large population cohorts (gnomAD); This variant is associated with the following publications: (PMID: 27165009, 31515782, 32827181)

Laboratory of Medical Genetics, University of Torino
Classification: Pathogenic for Rubinstein-Taybi syndrome due to CREBBP mutations. Last evaluated: 2022-11-29. Review status: criteria provided, single submitter. Criteria: ACMG Guidelines, 2015. Collection method: research. Allele origin: germline. Affected: yes. Study: NeuroWES.

Fulgent Genetics
Classification: Pathogenic for Rubinstein-Taybi syndrome due to CREBBP mutations; Menke-Hennekam syndrome 1. Last evaluated: 2022-02-07. Review status: criteria provided, single submitter. Criteria: ACMG Guidelines, 2015. Collection method: clinical testing. Allele origin: unknown.

Daryl Scott Lab, Baylor College of Medicine
Classification: Pathogenic for Rubinstein-Taybi syndrome due to CREBBP mutations. Last evaluated: 2022-01-27. Review status: criteria provided, single submitter. Criteria: ACMG Guidelines, 2015. Collection method: clinical testing. Allele origin: de novo. Affected: yes. Observed: 1 variant allele, 1 heterozygote.

Diagnostic Laboratory, Strasbourg University Hospital
Classification: Pathogenic for Intellectual disability. Last evaluated: 2020-09-10. Review status: criteria provided, single submitter. Criteria: ACMG Guidelines, 2015. Collection method: clinical testing. Allele origin: de novo. Affected: yes. Observed: 1 heterozygote.

HudsonAlpha Institute for Biotechnology
Classification: Pathogenic for Rubinstein-Taybi syndrome due to CREBBP mutations. Last evaluated: 2014-12-09. Review status: criteria provided, single submitter. Criteria: HA_assertions_20161101. Collection method: research. Allele origin: de novo. Affected: yes. Observed: 1 variant allele. Study: CSER-HudsonAlpha.

Genetic Services Laboratory, University of Chicago
Classification: Pathogenic for Rubinstein-Taybi syndrome. Last evaluated: 2013-02-26. Review status: criteria provided, single submitter. Criteria: ACMG Guidelines, 2007. Collection method: clinical testing. Allele origin: germline. Inheritance: Autosomal dominant inheritance. Affected: yes.

Wessex Regional Genetics Laboratory, Salisbury District Hospital
Classification: Pathogenic for Rubinstein-Taybi syndrome due to CREBBP mutations. Last evaluated: 2019-11-05. Review status: no assertion criteria provided. Criteria: ACMG Guidelines, 2015. Collection method: clinical testing. Allele origin: unknown. Inheritance: Autosomal dominant inheritance. Affected: yes. Not counted in ClinVar's aggregate classification.

Dr. Peter K. Rogan Lab, Western University
No classification provided (evidence only). Condition: Cervical cancer. Review status: no classification provided. Collection method: in vitro. Allele origin: not applicable. Functional consequence: skipped exon. Not counted in ClinVar's aggregate classification.

Literature cited by the submitters: PubMed 16199547 (cited by Labcorp Genetics (formerly Invitae), Labcorp); PubMed 17052327 (cited by Labcorp Genetics (formerly Invitae), Labcorp); PubMed 18792986 (cited by Labcorp Genetics (formerly Invitae), Labcorp); PubMed 29132461 (cited by Labcorp Genetics (formerly Invitae), Labcorp); PubMed 32827181 (cited by Labcorp Genetics (formerly Invitae), Labcorp); PubMed 35904974 (cited by Daryl Scott Lab, Baylor College of Medicine).